The following is an entry in ClinVar:

NM_001100588.3(RC3H2):c.1325+2166T>G

Gene: RC3H2 (ring finger and CCCH-type domains 2; minus strand). Cytogenetic location: 9q33.2.
Variant type: single nucleotide variant.
Coding change: c.1325+2166T>G on transcript NM_001100588.3 (MANE Select); 2166 bases into the intron after coding-DNA position 1325, T replaced by G.
Molecular consequence: intron variant. On other transcripts: synonymous variant (1).
Genome position (GRCh38, 1-based): chr9:122,875,305, A>C on the plus strand (T>G on the coding strand, the complement: RC3H2 is on the minus strand). VCF-style: chr9-122875305-A-C. GRCh37 (hg19) VCF-style: chr9-125637584-A-C.
Other names: c.1389T>G, p.Thr463= (NM_001354486.2); c.1325+2166T>G (NM_001354479.2, NM_001354482.2, NM_001354478.2 and 1 more transcripts).
Identifiers: ClinVar variation 2659488 (VCV002659488.24), dbSNP rs56340543, ClinGen allele CA5229241.

ClinVar aggregate classification (germline): Likely benign (1 of 4 stars; one submission).

Allele frequency attached by ClinVar (database versions not stated): 1000 Genomes Project 30x 0.00094; 1000 Genomes Project 0.00100; TOPMed 0.00136; ExAC 0.00198; gnomAD 0.00258.
gnomAD v4.1: 3,181 of 1,550,590 alleles (0.21%); highest among the groups gnomAD compares: Non-Finnish European, 0.23%; 17 homozygotes.

Submission:

CeGaT Center for Human Genetics Tuebingen
Classification: Likely benign. Last evaluated: 2023-01-01. Review status: criteria provided, single submitter. Criteria: CeGaT Center For Human Genetics Tuebingen Variant Classification Criteria Version 2. Collection method: clinical testing. Allele origin: germline. Affected: yes. Observed: 1 variant allele.
Comment: RC3H2: BP4, BP7, BS2